The following is an entry in ClinVar:

ClinVar aggregate classification (germline): Uncertain significance (1 of 4 stars; one submission).

Submission:

GeneDx
Classification: Uncertain significance. Last evaluated: 2022-09-28. Review status: criteria provided, single submitter. Criteria: GeneDx Variant Classification Process June 2021. Collection method: clinical testing. Allele origin: germline. Affected: yes.
Comment: Not observed at significant frequency in large population cohorts (gnomAD); In silico analysis supports that this missense variant has a deleterious effect on protein structure/function; Has not been previously published as pathogenic or benign to our knowledge

NM_033343.4(LHX4):c.331C>T (p.His111Tyr)

Gene: LHX4 (LIM homeobox 4; plus strand). Cytogenetic location: 1q25.2.
Variant type: single nucleotide variant.
Coding change: c.331C>T on transcript NM_033343.4 (MANE Select); coding-DNA position 331, C replaced by T.
Protein change: p.His111Tyr; replaces histidine 111 with tyrosine.
Molecular consequence: missense variant.
Genome position (GRCh38, 1-based): chr1:180,266,474, C>T. VCF-style: chr1-180266474-C-T. GRCh37 (hg19) VCF-style: chr1-180235609-C-T.
Other names: short protein forms H111Y.
Identifiers: ClinVar variation 2446628 (VCV002446628.1), dbSNP rs2528230038, ClinGen allele CA343595618.
Genomic context (GRCh38, chr1:180,266,474, plus strand): 5'-GCCTGCCAGCAGGGTATCCCCCCAACCCAGGTGGTCCGCAAGGCCCAGGACTTTGTCTAC[C>T]ACCTGCACTGCTTTGCTTGCATCATCTGCAACCGGCAGCTGGCCACGGGGGACGAATTCT-3'
Protein context (NP_203129.1, residues 101-121): VVRKAQDFVY[His111Tyr]LHCFACIICN